The following is an entry in ClinVar:

ClinVar aggregate classification (germline): Pathogenic. Review status: criteria provided, multiple submitters, no conflicts (2 of 4 stars). 5 submissions from 4 submitters: Pathogenic (2). 3 of the submissions do not count toward it. Last evaluated 2024-10-25.

Conditions:
Amyotrophic lateral sclerosis type 5 (ALS5). Also called: AMYOTROPHIC LATERAL SCLEROSIS 5, JUVENILE. Identifiers: Orphanet 300605, MedGen C1865864, MONDO:0011196, OMIM 602099.
Hereditary spastic paraplegia 11. Also called: SPASTIC PARAPLEGIA, AUTOSOMAL RECESSIVE, COMPLICATED, WITH THIN CORPUS CALLOSUM; SPASTIC PARAPLEGIA, AUTOSOMAL RECESSIVE, WITH MENTAL IMPAIRMENT AND THIN CORPUS CALLOSUM; Spastic paraplegia, mental retardation and thin corpus callosum; Spastic Paraplegia 11; Nakamura Osame syndrome; Autosomal recessive hereditary spastic paraplegia, mental impairment, and thin corpus callosum. Identifiers: Orphanet 2822, MedGen C1858479, MONDO:0011445, OMIM 604360.

Allele frequency attached by ClinVar (database versions not stated): gnomAD exomes below 0.00001; TOPMed below 0.00001; gnomAD 0.00001; 1000 Genomes Project 30x 0.00016; 1000 Genomes Project 0.00020.
gnomAD v4.1: 7 of 1,613,978 alleles (0.00043%); highest among the groups gnomAD compares: East Asian, 0.0022%; no homozygotes.

Submissions (5):

GeneDx
Classification: Pathogenic. Last evaluated: 2024-10-25. Review status: criteria provided, single submitter. Criteria: GeneDx Variant Classification Process June 2021. Collection method: clinical testing. Allele origin: germline. Affected: yes.
Comment: Identified with a second SPG11 variant in a patient with spastic paraplegia with thin corpus callosum (PMID: 17322883); Nonsense variant predicted to result in protein truncation or nonsense mediated decay in a gene for which loss of function is a known mechanism of disease; Not observed at significant frequency in large population cohorts (gnomAD); This variant is associated with the following publications: (PMID: 20390432, 25525159, 26556829, 23447461, 20110243, 17322883)

Labcorp Genetics (formerly Invitae), Labcorp
Classification: Pathogenic for Hereditary spastic paraplegia 11. Last evaluated: 2022-11-12. Review status: criteria provided, single submitter. Criteria: Invitae Variant Classification Sherloc (09022015). Collection method: clinical testing. Allele origin: germline.
Comment: This sequence change creates a premature translational stop signal (p.Arg1992*) in the SPG11 gene. It is expected to result in an absent or disrupted protein product. Loss-of-function variants in SPG11 are known to be pathogenic (PMID: 19105190, 20110243, 22154821, 26556829). This variant is present in population databases (rs200793464, gnomAD 0.0009%). This premature translational stop signal has been observed in individual(s) with SPG11-related conditions (PMID: 17322883). ClinVar contains an entry for this variant (Variation ID: 41333). For these reasons, this variant has been classified as Pathogenic.

OMIM
Classification: Pathogenic for SPASTIC PARAPLEGIA 11, AUTOSOMAL RECESSIVE. Last evaluated: 2010-02-01. Review status: no assertion criteria provided. Collection method: literature only. Allele origin: germline. Not counted in ClinVar's aggregate classification.

OMIM
Classification: Pathogenic for AMYOTROPHIC LATERAL SCLEROSIS 5, JUVENILE. Last evaluated: 2010-02-01. Review status: no assertion criteria provided. Collection method: literature only. Allele origin: germline. Not counted in ClinVar's aggregate classification.

GeneReviews
No classification provided. Condition: Hereditary spastic paraplegia 11. Review status: no classification provided. Collection method: literature only. Allele origin: unknown. Not counted in ClinVar's aggregate classification.

Literature cited by the submitters: PubMed 19105190 (cited by Labcorp Genetics (formerly Invitae), Labcorp); PubMed 20110243 (cited by Labcorp Genetics (formerly Invitae), Labcorp and OMIM); PubMed 22154821 (cited by Labcorp Genetics (formerly Invitae), Labcorp); PubMed 26556829 (cited by Labcorp Genetics (formerly Invitae), Labcorp); PubMed 17322883 (cited by 3 submitters); PubMed 20301389 (cited by GeneReviews); NCBI Bookshelf NBK1210 (cited by GeneReviews).

NM_025137.4(SPG11):c.5974C>T (p.Arg1992Ter)

Gene: SPG11 (SPG11 vesicle trafficking associated, spatacsin; minus strand). Cytogenetic location: 15q21.1.
Variant type: single nucleotide variant.
Coding change: c.5974C>T on transcript NM_025137.4 (MANE Select); coding-DNA position 5974, C replaced by T.
Protein change: p.Arg1992Ter; replaces arginine 1992 with a stop codon.
Molecular consequence: nonsense. On other transcripts: intron variant (1).
Genome position (GRCh38, 1-based): chr15:44,574,934, G>A on the plus strand (C>T on the coding strand, the complement: SPG11 is on the minus strand). VCF-style: chr15-44574934-G-A. GRCh37 (hg19) VCF-style: chr15-44867132-G-A.
Other names: c.5867-2114C>T (NM_001160227.2); short protein forms R1992*.
Identifiers: ClinVar variation 41333 (VCV000041333.9), dbSNP rs200793464, ClinGen allele CA277266.